The following is an entry in ClinVar:

ClinVar aggregate classification (germline): Uncertain significance. Review status: criteria provided, multiple submitters, no conflicts (2 of 4 stars). 2 submissions from 2 submitters: Uncertain significance (2). Last evaluated 2025-11-09.

Conditions:
Inborn genetic diseases. Identifiers: MedGen C0950123, MeSH D030342.
Fanconi anemia (FA). Also called: Fanconi's anemia. Identifiers: Orphanet 84, MedGen C0015625, MeSH D005199, MONDO:0019391.

Allele frequency attached by ClinVar (database versions not stated): ExAC 0.00001; gnomAD 0.00001; 1000 Genomes Project 0.00020; 1000 Genomes Project 30x 0.00031.
gnomAD v4.1: 5 of 1,600,692 alleles (0.00031%); highest among the groups gnomAD compares: African/African-American, 0.0027%; no homozygotes.

Submissions (2):

Labcorp Genetics (formerly Invitae), Labcorp
Classification: Uncertain significance for Fanconi anemia. Last evaluated: 2025-11-09. Review status: criteria provided, single submitter. Criteria: Invitae Variant Classification Sherloc (09022015). Collection method: clinical testing. Allele origin: germline.
Comment: This sequence change replaces alanine, which is neutral and non-polar, with proline, which is neutral and non-polar, at codon 721 of the FANCM protein (p.Ala721Pro). This variant is present in population databases (rs563314173, gnomAD 0.0009%). This variant has not been reported in the literature in individuals affected with FANCM-related conditions. ClinVar contains an entry for this variant (Variation ID: 3092834). An algorithm developed to predict the effect of missense changes on protein structure and function (PolyPhen-2) suggests that this variant is likely to be tolerated. In summary, the available evidence is currently insufficient to determine the role of this variant in disease. Therefore, it has been classified as a Variant of Uncertain Significance.

Ambry Genetics
Classification: Uncertain significance for Inborn genetic diseases. Last evaluated: 2025-07-28. Review status: criteria provided, single submitter. Criteria: Ambry Variant Classification Scheme 2023. Collection method: clinical testing. Allele origin: germline.
Comment: The p.A721P variant (also known as c.2161G>C) is located in coding exon 13 of the FANCM gene. The alanine at codon 721 is replaced by proline, an amino acid with highly similar properties. This change occurs in the first base pair of coding exon 13. This amino acid position is conserved. In addition, this alteration is predicted to be tolerated by in silico analysis. Based on the available evidence, the clinical significance of this variant remains unclear.

NM_020937.4(FANCM):c.2161G>C (p.Ala721Pro)

Gene: FANCM (FA complementation group M; plus strand). Cytogenetic location: 14q21.2.
Variant type: single nucleotide variant.
Coding change: c.2161G>C on transcript NM_020937.4 (MANE Select); coding-DNA position 2161, G replaced by C.
Protein change: p.Ala721Pro; replaces alanine 721 with proline.
Molecular consequence: missense variant.
Genome position (GRCh38, 1-based): chr14:45,173,055, G>C. VCF-style: chr14-45173055-G-C. GRCh37 (hg19) VCF-style: chr14-45642258-G-C.
Other names: c.2083G>C, p.Ala695Pro (NM_001308133.2); short protein forms A721P, A695P.
Identifiers: ClinVar variation 3092834 (VCV003092834.4), dbSNP rs563314173, ClinGen allele CA7169277.